The following is an entry in ClinVar:

NM_014413.4(EIF2AK1):c.1012A>G (p.Ile338Val)

Gene: EIF2AK1 (eukaryotic translation initiation factor 2 alpha kinase 1; minus strand). Cytogenetic location: 7p22.1.
Variant type: single nucleotide variant.
Coding change: c.1012A>G on transcript NM_014413.4 (MANE Select); coding-DNA position 1012, A replaced by G.
Protein change: p.Ile338Val; replaces isoleucine 338 with valine.
Molecular consequence: missense variant.
Genome position (GRCh38, 1-based): chr7:6,040,999, T>C on the plus strand (A>G on the coding strand, the complement: EIF2AK1 is on the minus strand). VCF-style: chr7-6040999-T-C. GRCh37 (hg19) VCF-style: chr7-6080630-T-C.
Other names: c.1009A>G, p.Ile337Val (NM_001134335.2); short protein forms I338V, I337V.
Identifiers: ClinVar variation 2049825 (VCV002049825.6), dbSNP rs144096212, ClinGen allele CA4150984.
Genomic context (GRCh38, chr7:6,040,999, plus strand): 5'-TGGATGTGAAACTCTCCTCTAGGTGGGAATTACGCCTGAGTGGCAGCTGCTGTTCCACAA[T>C]TGAACTGGCAGACAAACCAGCCAAGCCATTTTCCTGGAGCTCCAGGGTCGACTCAAGTTC-3'
Protein context (NP_055228.2, residues 328-348): NGLAGLSASS[Ile338Val]VEQQLPLRRN

ClinVar aggregate classification (germline): Conflicting classifications of pathogenicity. Review status: criteria provided, conflicting classifications (1 of 4 stars). 2 submissions from 2 submitters: Uncertain significance (1); Likely benign (1). Last evaluated 2026-05-01.

Allele frequency attached by ClinVar (database versions not stated): gnomAD 0.00010; ExAC 0.00013; ESP Exome Variant Server 0.00015; 1000 Genomes Project 0.00100; 1000 Genomes Project 30x 0.00109.
gnomAD v4.1: 183 of 1,614,180 alleles (0.011%); highest among the groups gnomAD compares: East Asian, 0.018%; no homozygotes.

Submissions (2):

CeGaT Center for Human Genetics Tuebingen
Classification: Likely benign. Last evaluated: 2026-05-01. Review status: criteria provided, single submitter. Criteria: CeGaT Center For Human Genetics Tuebingen Variant Classification Criteria Version 2. Collection method: clinical testing. Allele origin: germline. Affected: yes. Observed: 1 variant allele.
Comment: EIF2AK1: BP4, BS2

Labcorp Genetics (formerly Invitae), Labcorp
Classification: Uncertain significance. Last evaluated: 2024-04-30. Review status: criteria provided, single submitter. Criteria: Invitae Variant Classification Sherloc (09022015). Collection method: clinical testing. Allele origin: germline.
Comment: This sequence change replaces isoleucine, which is neutral and non-polar, with valine, which is neutral and non-polar, at codon 338 of the EIF2AK1 protein (p.Ile338Val). This variant is present in population databases (rs144096212, gnomAD 0.03%). This variant has not been reported in the literature in individuals affected with EIF2AK1-related conditions. ClinVar contains an entry for this variant (Variation ID: 2049825). Algorithms developed to predict the effect of missense changes on protein structure and function output the following: SIFT: "Not Available"; PolyPhen-2: "Benign"; Align-GVGD: "Not Available". The valine amino acid residue is found in multiple mammalian species, which suggests that this missense change does not adversely affect protein function. In summary, the available evidence is currently insufficient to determine the role of this variant in disease. Therefore, it has been classified as a Variant of Uncertain Significance.